The following is an entry in ClinVar:

NM_001077365.2(POMT1):c.2178G>C (p.Ter726Tyr)

Gene: POMT1 (protein O-mannosyltransferase 1; plus strand). Cytogenetic location: 9q34.13.
Variant type: single nucleotide variant.
Coding change: c.2178G>C on transcript NM_001077365.2 (MANE Select); coding-DNA position 2178, G replaced by C.
Protein change: p.Ter726Tyr.
Molecular consequence: stop lost. On other transcripts: non-coding transcript variant (10).
Genome position (GRCh38, 1-based): chr9:131,523,106, G>C. VCF-style: chr9-131523106-G-C. GRCh37 (hg19) VCF-style: chr9-134398493-G-C.
Other names: c.2016G>C, p.Ter672Tyr (NM_001077366.2, NM_001353194.2); c.2178G>C, p.Ter726Tyr (NM_001136113.2); c.1827G>C, p.Ter609Tyr (NM_001136114.2, NM_001353195.2, NM_001374691.1 and 2 more transcripts); c.2244G>C, p.Ter748Tyr (NM_001353193.2, NM_007171.4); c.2088G>C, p.Ter696Tyr (NM_001353196.2); c.2082G>C, p.Ter694Tyr (NM_001353197.2, NM_001353198.2); c.1893G>C, p.Ter631Tyr (NM_001353199.2); c.1722G>C, p.Ter574Tyr (NM_001353200.2); and 3 more.
Identifiers: ClinVar variation 1011985 (VCV001011985.4), dbSNP rs147143094, ClinGen allele CA375315545.

ClinVar aggregate classification (germline): Uncertain significance (1 of 4 stars; one submission).

Conditions:
Muscular dystrophy-dystroglycanopathy (congenital with impaired intellectual development), type B, 1. Also called: MUSCULAR DYSTROPHY, CONGENITAL, POMT1-RELATED; Muscular dystrophy-dystroglycanopathy (congenital with intellectual disability), type B1. Identifiers: MedGen C5436962, MONDO:0013159, OMIM 613155.
Autosomal recessive limb-girdle muscular dystrophy type 2K. Also called: MUSCULAR DYSTROPHY-DYSTROGLYCANOPATHY (LIMB-GIRDLE), TYPE C, 1; MUSCULAR DYSTROPHY, LIMB-GIRDLE, TYPE 2K. Identifiers: Orphanet 86812, MedGen C1836373, MONDO:0012248, OMIM 609308.
Walker-Warburg congenital muscular dystrophy. Also called: Muscular dystrophy-dystroglycanopathy, type A; Walker-Warburg syndrome. Identifiers: Orphanet 899, MedGen C0265221, MONDO:0000171.

Allele frequency attached by ClinVar (database versions not stated): TOPMed 0.00001.
gnomAD v4.1: 7 of 1,610,420 alleles (0.00043%); highest among the groups gnomAD compares: Non-Finnish European, 0.00051%; no homozygotes.

Submission:

Labcorp Genetics (formerly Invitae), Labcorp
Classification: Uncertain significance for Muscular dystrophy-dystroglycanopathy (congenital with impaired intellectual development), type B, 1; Walker-Warburg congenital muscular dystrophy; Autosomal recessive limb-girdle muscular dystrophy type 2K. Last evaluated: 2022-06-20. Review status: criteria provided, single submitter. Criteria: Invitae Variant Classification Sherloc (09022015). Collection method: clinical testing. Allele origin: germline.
Comment: This sequence change disrupts the translational stop signal of the POMT1 mRNA. It is expected to extend the length of the POMT1 protein by 24 additional amino acid residues. This variant is present in population databases (no rsID available, gnomAD 0.0009%). This variant has not been reported in the literature in individuals affected with POMT1-related conditions. ClinVar contains an entry for this variant (Variation ID: 1011985). Experimental studies and prediction algorithms are not available or were not evaluated, and the functional significance of this variant is currently unknown. In summary, the available evidence is currently insufficient to determine the role of this variant in disease. Therefore, it has been classified as a Variant of Uncertain Significance.